The following is an entry in ClinVar:

ClinVar aggregate classification (germline): Uncertain significance (1 of 4 stars; one submission).

Allele frequency attached by ClinVar (database versions not stated): ExAC 0.00001; TOPMed 0.00001.
gnomAD v4.1: 2 of 1,613,000 alleles (0.00012%); highest among the groups gnomAD compares: Non-Finnish European, 0.00017%; no homozygotes.

Submission:

Ambry Genetics
Classification: Uncertain significance. Last evaluated: 2024-03-23. Review status: criteria provided, single submitter. Criteria: Ambry Variant Classification Scheme 2023. Collection method: clinical testing. Allele origin: germline.
Comment: The p.P964S variant (also known as c.2890C>T), located in coding exon 14 of the NPAT gene, results from a C to T substitution at nucleotide position 2890. The proline at codon 964 is replaced by serine, an amino acid with similar properties. This amino acid position is conserved. In addition, this alteration is predicted to be tolerated by in silico analysis. Since supporting evidence is limited at this time, the clinical significance of this alteration remains unclear.

NM_002519.3(NPAT):c.2890C>T (p.Pro964Ser)

Gene: NPAT (nuclear protein, coactivator of histone transcription; minus strand). Cytogenetic location: 11q22.3.
Variant type: single nucleotide variant.
Coding change: c.2890C>T on transcript NM_002519.3 (MANE Select); coding-DNA position 2890, C replaced by T.
Protein change: p.Pro964Ser; replaces proline 964 with serine.
Molecular consequence: missense variant.
Genome position (GRCh38, 1-based): chr11:108,169,939, G>A on the plus strand (C>T on the coding strand, the complement: NPAT is on the minus strand). VCF-style: chr11-108169939-G-A. GRCh37 (hg19) VCF-style: chr11-108040666-G-A.
Other names: c.2890C>T, p.Pro964Ser (NM_001321307.1); short protein forms P964S.
Identifiers: ClinVar variation 1797303 (VCV001797303.2), dbSNP rs780855464, ClinGen allele CA6263713.